The following is an entry in ClinVar:

NM_000051.4(ATM):c.4823_4833del (p.Pro1607_Leu1608insTer)

Gene: ATM (ATM serine/threonine kinase; plus strand). Cytogenetic location: 11q22.3.
Variant type: Deletion.
Coding change: c.4823_4833del on transcript NM_000051.4 (MANE Select); coding-DNA positions 4823 to 4833, 11 bases deleted (TGACAAGACTT).
Protein change: p.Pro1607_Leu1608insTer.
Molecular consequence: nonsense. On other transcripts: frameshift variant (1).
Genome position (GRCh38, 1-based): chr11:108,294,973-108,294,983, TGACAAGACTT deleted; deleting any 11 consecutive bases within chr11:108,294,972-108,294,983 gives the same sequence; the c. name uses the placement nearest the transcript's 3' end. VCF-style (leftmost placement, unchanged base first): chr11-108294971-ATTGACAAGACT-A. GRCh37 (hg19) VCF-style: chr11-108165698-ATTGACAAGACT-A.
Other names: c.4823_4833del11 (NM_000051.3); c.4823_4833del, p.Pro1607_Leu1608insTer (NM_001351834.2).
Identifiers: ClinVar variation 5031292 (VCV005031292.1).
Genomic context (GRCh38, chr11:108,294,971, plus strand): 5'-ACATTTTCTCTTTTAGGAAATTAACCATTTTCTCTCAGTAAGTGTTTATGATGCACTTCC[ATTGACAAGACT>A]TGAAGGACTAAAGGATCTTCGAAGACAACTGGAACTACATAAAGATCAGATGGTGGACAT-3'

ClinVar aggregate classification (germline): Pathogenic (1 of 4 stars; one submission).

Conditions:
Hereditary cancer-predisposing syndrome. Also called: Neoplastic Syndromes, Hereditary; Tumor predisposition; Hereditary neoplastic syndrome; Hereditary Cancer Syndrome. Identifiers: Orphanet 140162, MedGen C0027672, MeSH D009386, MONDO:0015356.

Submission:

Ambry Genetics
Classification: Pathogenic for Hereditary cancer-predisposing syndrome. Last evaluated: 2026-06-22. Review status: criteria provided, single submitter. Criteria: Ambry Variant Classification Scheme 2023. Collection method: clinical testing. Allele origin: germline.
Comment: The c.4823_4833del11 pathogenic mutation, located in coding exon 31 of the ATM gene, results from a deletion of 11 nucleotides at nucleotide positions 4823 to 4833, causing a translational frameshift with a predicted alternate stop codon (p.L1608*). This variant is considered to be rare based on population cohorts in the Genome Aggregation Database (gnomAD). This alteration is expected to result in loss of function by premature protein truncation or nonsense-mediated mRNA decay. As such, this alteration is interpreted as a disease-causing mutation.